The following is an entry in ClinVar:

ClinVar aggregate classification (germline): Benign/Likely benign. Review status: criteria provided, multiple submitters, no conflicts (2 of 4 stars). 3 submissions from 3 submitters: Benign (1); Likely benign (2). Last evaluated 2025-05-14.

Conditions:
Hereditary cancer-predisposing syndrome. Also called: Hereditary neoplastic syndrome; Neoplastic Syndromes, Hereditary; Tumor predisposition; Hereditary Cancer Syndrome. Identifiers: Orphanet 140162, MedGen C0027672, MeSH D009386, MONDO:0015356.
Tuberous sclerosis 2 (TSC2). Identifiers: Orphanet 805, MedGen C1860707, MONDO:0013199, OMIM 613254.

Submissions (3):

Myriad Genetics, Inc.
Classification: Benign for Tuberous sclerosis 2. Last evaluated: 2025-05-14. Review status: criteria provided, single submitter. Criteria: Myriad Autosomal Dominant, Autosomal Recessive and X-Linked Classification Criteria (2023). Collection method: clinical testing. Allele origin: unknown.
Comment: This variant is considered benign. This variant is a silent/synonymous amino acid change and it is not expected to impact splicing.

Labcorp Genetics (formerly Invitae), Labcorp
Classification: Likely benign for Tuberous sclerosis 2. Last evaluated: 2024-12-20. Review status: criteria provided, single submitter. Criteria: Invitae Variant Classification Sherloc (09022015). Collection method: clinical testing. Allele origin: germline.

Ambry Genetics
Classification: Likely benign for Hereditary cancer-predisposing syndrome. Last evaluated: 2022-08-30. Review status: criteria provided, single submitter. Criteria: Ambry Variant Classification Scheme 2023. Collection method: clinical testing. Allele origin: germline.

NM_000548.5(TSC2):c.1512C>T (p.Val504=)

Gene: TSC2 (TSC complex subunit 2; plus strand). Cytogenetic location: 16p13.3.
Variant type: single nucleotide variant.
Coding change: c.1512C>T on transcript NM_000548.5 (MANE Select); coding-DNA position 1512, C replaced by T.
Protein change: p.Val504=; no amino-acid change (valine 504 retained).
Molecular consequence: synonymous variant.
Genome position (GRCh38, 1-based): chr16:2,064,340, C>T. VCF-style: chr16-2064340-C-T. GRCh37 (hg19) VCF-style: chr16-2114341-C-T.
Other names: c.1512C>T, p.Val504= (NM_001077183.3, NM_001114382.3, NM_001363528.2 and 3 more transcripts); c.1401C>T, p.Val467= (NM_001318827.2); c.1365C>T, p.Val455= (NM_001318829.2); c.912C>T, p.Val304= (NM_001318831.2); c.1545C>T, p.Val515= (NM_001318832.2).
Identifiers: ClinVar variation 732708 (VCV000732708.12), dbSNP rs146359990, ClinGen allele CA492962895.